The following is an entry in ClinVar:

ClinVar aggregate classification (germline): Uncertain significance (1 of 4 stars; one submission).

gnomAD v4.1: 4 of 1,614,138 alleles (0.00025%); highest among the groups gnomAD compares: African/African-American, 0.0013%; no homozygotes.

Submission:

Labcorp Genetics (formerly Invitae), Labcorp
Classification: Uncertain significance. Last evaluated: 2025-01-19. Review status: criteria provided, single submitter. Criteria: Invitae Variant Classification Sherloc (09022015). Collection method: clinical testing. Allele origin: germline.
Comment: This sequence change replaces serine, which is neutral and polar, with cysteine, which is neutral and slightly polar, at codon 14 of the KIF20A protein (p.Ser14Cys). This variant is not present in population databases (gnomAD no frequency). This variant has not been reported in the literature in individuals affected with KIF20A-related conditions. An algorithm developed to predict the effect of missense changes on protein structure and function (PolyPhen-2) suggests that this variant is likely to be disruptive. In summary, the available evidence is currently insufficient to determine the role of this variant in disease. Therefore, it has been classified as a Variant of Uncertain Significance.

NM_005733.3(KIF20A):c.41C>G (p.Ser14Cys)

Gene: KIF20A (kinesin family member 20A; plus strand). Cytogenetic location: 5q31.2.
Variant type: single nucleotide variant.
Coding change: c.41C>G on transcript NM_005733.3 (MANE Select); coding-DNA position 41, C replaced by G.
Protein change: p.Ser14Cys; replaces serine 14 with cysteine.
Molecular consequence: missense variant.
Genome position (GRCh38, 1-based): chr5:138,179,721, C>G. VCF-style: chr5-138179721-C-G. GRCh37 (hg19) VCF-style: chr5-137515410-C-G.
Other names: short protein forms S14C.
Identifiers: ClinVar variation 3717707 (VCV003717707.2).